The following is an entry in ClinVar:

NM_001042492.3(NF1):c.2880T>G (p.Phe960Leu)

Gene: NF1 (neurofibromin 1; plus strand). Cytogenetic location: 17q11.2.
Variant type: single nucleotide variant.
Coding change: c.2880T>G on transcript NM_001042492.3 (MANE Select); coding-DNA position 2880, T replaced by G.
Protein change: p.Phe960Leu; replaces phenylalanine 960 with leucine.
Molecular consequence: missense variant.
Genome position (GRCh38, 1-based): chr17:31,229,864, T>G. VCF-style: chr17-31229864-T-G. GRCh37 (hg19) VCF-style: chr17-29556882-T-G.
Other names: c.2880T>G, p.Phe960Leu (NM_000267.4); short protein forms F960L.
Identifiers: ClinVar variation 5025583 (VCV005025583.1).

ClinVar aggregate classification (germline): Uncertain significance (1 of 4 stars; one submission).

Conditions:
Cardiovascular phenotype. Identifiers: MedGen CN230736.
Hereditary cancer-predisposing syndrome. Also called: Neoplastic Syndromes, Hereditary; Tumor predisposition; Hereditary neoplastic syndrome; Hereditary Cancer Syndrome. Identifiers: Orphanet 140162, MedGen C0027672, MeSH D009386, MONDO:0015356.

Submission:

Ambry Genetics
Classification: Uncertain significance for Cardiovascular phenotype; Hereditary cancer-predisposing syndrome. Last evaluated: 2026-07-22. Review status: criteria provided, single submitter. Criteria: Ambry Variant Classification Scheme 2023. Collection method: clinical testing. Allele origin: germline.
Comment: The p.F960L variant (also known as c.2880T>G), located in coding exon 22 of the NF1 gene, results from a T to G substitution at nucleotide position 2880. The phenylalanine at codon 960 is replaced by leucine, an amino acid with highly similar properties. This amino acid position is conserved. In addition, this alteration is predicted to be deleterious by in silico analysis. Based on the available evidence, the clinical significance of this variant remains unclear.